The following is an entry in ClinVar:

ClinVar aggregate classification (germline): Likely pathogenic (1 of 4 stars; one submission).

Conditions:
Joubert syndrome. Also called: CEREBELLOPARENCHYMAL DISORDER IV; JOUBERT-BOLTSHAUSER SYNDROME; Familial aplasia of the vermis. Identifiers: Orphanet 475, MedGen C5979921, MONDO:0018772.

Submission:

Labcorp Genetics (formerly Invitae), Labcorp
Classification: Likely pathogenic for Joubert syndrome. Last evaluated: 2023-08-22. Review status: criteria provided, single submitter. Criteria: Invitae Variant Classification Sherloc (09022015). Collection method: clinical testing. Allele origin: germline.
Comment: Algorithms developed to predict the effect of sequence changes on RNA splicing suggest that this variant may disrupt the consensus splice site. ClinVar contains an entry for this variant (Variation ID: 850168). This variant has not been reported in the literature in individuals affected with AHI1-related conditions. This variant is not present in population databases (gnomAD no frequency). This sequence change affects a donor splice site in intron 6 of the AHI1 gene. It is expected to disrupt RNA splicing. Variants that disrupt the donor or acceptor splice site typically lead to a loss of protein function (PMID: 16199547), and loss-of-function variants in AHI1 are known to be pathogenic (PMID: 15322546, 16453322, 28442542, 29186038). In summary, the currently available evidence indicates that the variant is pathogenic, but additional data are needed to prove that conclusively. Therefore, this variant has been classified as Likely Pathogenic.

Literature cited by the submitters: PubMed 16199547; PubMed 15322546; PubMed 16453322; PubMed 28442542; PubMed 29186038.

NM_001134831.2(AHI1):c.749+1G>C

Gene: AHI1 (Abelson helper integration site 1; minus strand). Cytogenetic location: 6q23.3.
Variant type: single nucleotide variant.
Coding change: c.749+1G>C on transcript NM_001134831.2 (MANE Select); the canonical splice donor site of the intron after coding-DNA position 749, G replaced by C.
Molecular consequence: splice donor variant.
Genome position (GRCh38, 1-based): chr6:135,465,813, C>G on the plus strand (G>C on the coding strand, the complement: AHI1 is on the minus strand). VCF-style: chr6-135465813-C-G. GRCh37 (hg19) VCF-style: chr6-135786951-C-G.
Other names: c.749+1G>C (NM_001134830.2, NM_001350503.2, NM_017651.5 and 2 more transcripts).
Identifiers: ClinVar variation 850168 (VCV000850168.8), dbSNP rs780069818, ClinGen allele CA365750341.
Genomic context (GRCh38, chr6:135,465,813, plus strand): 5'-AAACCTGAAAATAACAGTGTTTTTCTAAGAGGATATTTTACATTTATCAATGCAAAAATA[C>G]CTTGTTTCAGCTTTAGAGAAGACTGGAACTTCCTTTTTCTTTTTCCTTTTTTCACTGCTT-3'